The following is an entry in ClinVar:

NM_001136191.3(KANK2):c.1611G>A (p.Arg537=)

Gene: KANK2 (KN motif and ankyrin repeat domains 2; minus strand). Cytogenetic location: 19p13.2.
Variant type: single nucleotide variant.
Coding change: c.1611G>A on transcript NM_001136191.3 (MANE Select); coding-DNA position 1611, G replaced by A.
Protein change: p.Arg537=; no amino-acid change (arginine 537 retained).
Molecular consequence: synonymous variant.
Genome position (GRCh38, 1-based): chr19:11,176,727, C>T on the plus strand (G>A on the coding strand, the complement: KANK2 is on the minus strand). VCF-style: chr19-11176727-C-T. GRCh37 (hg19) VCF-style: chr19-11287403-C-T.
Other names: c.1635G>A (NM_015493.6); c.1611G>A, p.Arg537= (NM_001329451.2, NM_001379555.1, NM_001379556.1 and 7 more transcripts); c.1635G>A, p.Arg545= (NM_001379548.1, NM_001379549.1, NM_001379550.1 and 5 more transcripts).
Identifiers: ClinVar variation 2178852 (VCV002178852.6), dbSNP rs369814991, ClinGen allele CA9205587.

ClinVar aggregate classification (germline): Likely benign. Review status: criteria provided, single submitter (1 of 4 stars). 2 submissions from 2 submitters: Likely benign (1). 1 of the submissions does not count toward it. Last evaluated 2026-01-05.

Conditions:
KANK2-related disorder. Also called: KANK2-related condition.

Allele frequency attached by ClinVar (database versions not stated): gnomAD exomes 0.00008; TOPMed 0.00009; gnomAD 0.00013; ExAC 0.00014; ESP Exome Variant Server 0.00015.
gnomAD v4.1: 137 of 1,610,928 alleles (0.0085%); highest among the groups gnomAD compares: Non-Finnish European, 0.01%; no homozygotes.

Submissions (2):

Labcorp Genetics (formerly Invitae), Labcorp
Classification: Likely benign. Last evaluated: 2026-01-05. Review status: criteria provided, single submitter. Criteria: Invitae Variant Classification Sherloc (09022015). Collection method: clinical testing. Allele origin: germline.

PreventionGenetics, part of Exact Sciences
Classification: Likely benign for KANK2-related condition. Last evaluated: 2022-12-20. Review status: no assertion criteria provided. Collection method: clinical testing. Allele origin: germline. Not counted in ClinVar's aggregate classification.
Comment: This variant is classified as likely benign based on ACMG/AMP sequence variant interpretation guidelines (Richards et al. 2015 PMID: 25741868, with internal and published modifications).